The following is an entry in ClinVar:

NM_018489.3(ASH1L):c.2966_2969del (p.Met989fs)

Gene: ASH1L (ASH1 like histone lysine methyltransferase; minus strand). Cytogenetic location: 1q22.
Variant type: Deletion.
Coding change: c.2966_2969del on transcript NM_018489.3 (MANE Select); coding-DNA positions 2966 to 2969, 4 bases deleted (TGAA; older notation c.2966_2969delTGAA).
Protein change: p.Met989fs; shifts the reading frame from methionine 989.
Molecular consequence: frameshift variant.
Genome position (GRCh38, 1-based): chr1:155,479,901-155,479,904, TTCA deleted on the plus strand (TGAA on the coding strand, the reverse complement: ASH1L is on the minus strand); deleting any 4 consecutive bases within chr1:155,479,901-155,479,906 gives the same sequence; the c. name uses the placement nearest the transcript's 3' end. VCF-style (leftmost placement, unchanged base first): chr1-155479900-CTTCA-C. GRCh37 (hg19) VCF-style: chr1-155449691-CTTCA-C.
Other names: c.2966_2969del, p.Met989fs (NM_001366177.2); short protein forms M989fs.
Identifiers: ClinVar variation 3254699 (VCV003254699.1), dbSNP rs2527171863.
Genomic context (GRCh38, chr1:155,479,900, plus strand): 5'-ATTACTTGATTCTACAGAACTTGAAAGAATCTGATTCAACAGTTTCTTTCTCTTTAAAGT[CTTCA>C]TTTTATTTATTTTGCGGATAATTGTTTTCATTAATTGTCCATTGTTTCTCTTGGTAATTT-3'

ClinVar aggregate classification (germline): Pathogenic (1 of 4 stars; one submission).

Conditions:
Intellectual developmental disorder, autosomal dominant 52. Also called: Intellectual disability, autosomal dominant 52; Mental retardation, autosomal dominant 52. Identifiers: MedGen C4540478, MONDO:0030918, OMIM 617796.

Submission:

Victorian Clinical Genetics Services, Murdoch Childrens Research Institute
Classification: Pathogenic for Intellectual developmental disorder, autosomal dominant 52. Last evaluated: 2023-07-16. Review status: criteria provided, single submitter. Criteria: ACMG Guidelines, 2015. Collection method: clinical testing. Allele origin: germline. Inheritance: Autosomal dominant inheritance. Affected: yes.
Comment: Based on the classification scheme VCGS_Germline_v1.3.4, this variant is classified as Pathogenic. Following criteria are met: 0102 - Loss of function is a known mechanism of disease in this gene and is associated with intellectual developmental disorder, autosomal dominant 52 (MIM#617796). (I) 0107 - This gene is associated with autosomal dominant disease. (I) 0201 - Variant is predicted to cause nonsense-mediated decay (NMD) and loss of protein (premature termination codon is located at least 54 nucleotides upstream of the final exon-exon junction). (SP) 0251 - This variant is heterozygous. (I) 0301 - Variant is absent from gnomAD (both v2 and v3). (SP) 0701 - Other NMD predicted variants comparable to the one identified in this case have very strong previous evidence for pathogenicity (DECIPHER). (SP) 0807 - This variant has no previous evidence of pathogenicity. (I) 0905 - No published segregation evidence has been identified for this variant. (I) 1007 - No published functional evidence has been identified for this variant. (I) 1208 - Inheritance information for this variant is not currently available in this individual. (I) Legend: (SP) - Supporting pathogenic, (I) - Information, (SB) - Supporting benign